The following is an entry in ClinVar:

ClinVar aggregate classification (germline): Uncertain significance (1 of 4 stars; one submission).

Conditions:
Congenital hyperammonemia, type I. Also called: Carbamoyl phosphate synthetase I deficiency disease; Carbamoyl phosphate synthetase 1 deficiency; Hyperammonemia due to carbamoyl phosphate synthetase 1 deficiency; CPS 1 deficiency; Carbamyl phosphate synthetase (CPS) deficiency; CPS I DEFICIENCY. Identifiers: Orphanet 147, MedGen C4082171, MONDO:0009376, OMIM 237300.

Submission:

3billion
Classification: Uncertain significance for Congenital hyperammonemia, type I. Last evaluated: 2025-02-28. Review status: criteria provided, single submitter. Criteria: ACMG Guidelines, 2015. Collection method: clinical testing. Allele origin: germline. Affected: yes.
Comment: The variant is not observed in the gnomAD v4.1.0 dataset. Predicted Consequence/Location: Missense variant. The majority of the known disease-causing variants of this gene are variants expected to result in premature termination of the protein. In silico tool predictions suggest damaging effect of the variant on gene or gene product [REVEL: 0.97 (>=0.6, sensitivity 0.68 and specificity 0.92)]. The same nucleotide change resulting in the same amino acid change has been previously reported to be associated with CPS1-related disorder (PMID: 21120950). However, the evidence of pathogenicity is insufficient at this time. Therefore, this variant is classified as VUS according to the recommendation of ACMG/AMP guideline.

Literature cited by the submitters: PubMed 21120950.

NM_001875.5(CPS1):c.265T>G (p.Tyr89Asp)

Gene: CPS1 (carbamoyl-phosphate synthase 1; plus strand). Cytogenetic location: 2q34.
Variant type: single nucleotide variant.
Coding change: c.265T>G on transcript NM_001875.5 (MANE Select); coding-DNA position 265, T replaced by G.
Protein change: p.Tyr89Asp; replaces tyrosine 89 with aspartic acid.
Molecular consequence: missense variant. On other transcripts: non-coding transcript variant (1).
Genome position (GRCh38, 1-based): chr2:210,576,374, T>G. VCF-style: chr2-210576374-T-G. GRCh37 (hg19) VCF-style: chr2-211441098-T-G.
Other names: c.265T>G, p.Tyr89Asp (NM_001122633.3, NM_001369257.1); c.298T>G, p.Tyr100Asp (NM_001369256.1); short protein forms Y100D, Y89D.
Identifiers: ClinVar variation 4292816 (VCV004292816.1).
Genomic context (GRCh38, chr2:210,576,374, plus strand): 5'-TTTGCTGATAATTTTTTGGCATGTTTACCCAGGTACCCAGAAGCTATTACTGACCCTGCC[T>G]ACAAAGGACAGATTCTCACAATGGCCAACCCTATTATTGGGAATGGTGGAGCTCCTGATA-3'
Protein context (NP_001866.2, residues 79-99): GYPEAITDPA[Tyr89Asp]KGQILTMANP